The following is an entry in ClinVar:

NM_021625.5(TRPV4):c.751A>C (p.Lys251Gln)

Gene: TRPV4 (transient receptor potential cation channel subfamily V member 4; minus strand). Cytogenetic location: 12q24.11.
Variant type: single nucleotide variant.
Coding change: c.751A>C on transcript NM_021625.5 (MANE Select); coding-DNA position 751, A replaced by C.
Protein change: p.Lys251Gln; replaces lysine 251 with glutamine.
Molecular consequence: missense variant. On other transcripts: intron variant (2).
Genome position (GRCh38, 1-based): chr12:109,800,720, T>G on the plus strand (A>C on the coding strand, the complement: TRPV4 is on the minus strand). VCF-style: chr12-109800720-T-G. GRCh37 (hg19) VCF-style: chr12-110238525-T-G.
Other names: c.649A>C, p.Lys217Gln (NM_001177431.2); c.751A>C, p.Lys251Gln (NM_147204.3); c.713-1808A>C (NM_001177433.1, NM_001177428.1); short protein forms K217Q, K251Q.
Identifiers: ClinVar variation 1759313 (VCV001759313.6), dbSNP rs777770608, ClinGen allele CA6780430.
Genomic context (GRCh38, chr12:109,800,720, plus strand): 5'-GCCCACGGGCCTGGGCGTGGACATCAGCTCCCTGGGCCACGAGAAGTTCCACGTAGTGTT[T>G]GCAGCGACGCTCAATGGCGATGTGCAGGGCTGTCTGACCTGGGGGCAGGGGACGGTCATC-3'
Protein context (NP_067638.3, residues 241-261): ALHIAIERRC[Lys251Gln]HYVELLVAQG

ClinVar aggregate classification (germline): Uncertain significance. Review status: criteria provided, multiple submitters, no conflicts (2 of 4 stars). 3 submissions from 3 submitters: Uncertain significance (3). Last evaluated 2023-11-14.

Conditions:
Inborn genetic diseases. Identifiers: MedGen C0950123, MeSH D030342.
Charcot-Marie-Tooth disease axonal type 2C (HMSN2C). Also called: CHARCOT-MARIE-TOOTH DISEASE, AXONAL, AUTOSOMAL DOMINANT, TYPE 2C; Charcot-Marie-Tooth Neuropathy Type 2C; Charcot-Marie-Tooth Disease Type 2, TRPV4-Related (CMT2C). Identifiers: Orphanet 99937, MedGen C1853710, MONDO:0011633, OMIM 606071.

Allele frequency attached by ClinVar (database versions not stated): gnomAD 0.00001; gnomAD exomes below 0.00001; ExAC 0.00001; TOPMed 0.00003.
gnomAD v4.1: 3 of 1,613,826 alleles (0.00019%); highest among the groups gnomAD compares: African/African-American, 0.004%; no homozygotes.

Submissions (3):

Labcorp Genetics (formerly Invitae), Labcorp
Classification: Uncertain significance for Charcot-Marie-Tooth disease axonal type 2C. Last evaluated: 2023-11-14. Review status: criteria provided, single submitter. Criteria: Invitae Variant Classification Sherloc (09022015). Collection method: clinical testing. Allele origin: germline.
Comment: This sequence change replaces lysine, which is basic and polar, with glutamine, which is neutral and polar, at codon 251 of the TRPV4 protein (p.Lys251Gln). The frequency data for this variant in the population databases is considered unreliable, as metrics indicate poor data quality at this position in the gnomAD database. This variant has not been reported in the literature in individuals affected with TRPV4-related conditions. ClinVar contains an entry for this variant (Variation ID: 1759313). Advanced modeling of protein sequence and biophysical properties (such as structural, functional, and spatial information, amino acid conservation, physicochemical variation, residue mobility, and thermodynamic stability) has been performed at Invitae for this missense variant, however the output from this modeling did not meet the statistical confidence thresholds required to predict the impact of this variant on TRPV4 protein function. In summary, the available evidence is currently insufficient to determine the role of this variant in disease. Therefore, it has been classified as a Variant of Uncertain Significance.

GeneDx
Classification: Uncertain significance. Last evaluated: 2022-09-22. Review status: criteria provided, single submitter. Criteria: GeneDx Variant Classification Process June 2021. Collection method: clinical testing. Allele origin: germline. Affected: yes.
Comment: Not observed at significant frequency in large population cohorts (gnomAD); In silico analysis supports that this missense variant does not alter protein structure/function; Has not been previously published as pathogenic or benign to our knowledge

Ambry Genetics
Classification: Uncertain significance for Inborn genetic diseases. Last evaluated: 2021-03-30. Review status: criteria provided, single submitter. Criteria: Ambry Variant Classification Scheme 2023. Collection method: clinical testing. Allele origin: germline.
Comment: The p.K251Q variant (also known as c.751A>C), located in coding exon 4 of the TRPV4 gene, results from an A to C substitution at nucleotide position 751. The lysine at codon 251 is replaced by glutamine, an amino acid with similar properties. This amino acid position is well conserved in available vertebrate species. In addition, the in silico prediction for this alteration is inconclusive. Since supporting evidence is limited at this time, the clinical significance of this alteration remains unclear.